The following is an entry in ClinVar:

ClinVar aggregate classification (germline): Uncertain significance. Review status: criteria provided, multiple submitters, no conflicts (2 of 4 stars). 2 submissions from 2 submitters: Uncertain significance (2). Last evaluated 2022-12-08.

Conditions:
Luscan-Lumish syndrome. Identifiers: Orphanet 597738, MedGen C4085873, MONDO:0014791, OMIM 616831.

Submissions (2):

New York Genome Center
Classification: Uncertain significance for Luscan-Lumish syndrome. Last evaluated: 2022-12-08. Review status: criteria provided, single submitter. Criteria: NYGC Assertion Criteria 2020. Collection method: clinical testing. Allele origin: de novo. Observed: 1 heterozygote, 1 mosaic individual.

Labcorp Genetics (formerly Invitae), Labcorp
Classification: Uncertain significance for Luscan-Lumish syndrome. Last evaluated: 2022-12-02. Review status: criteria provided, single submitter. Criteria: Invitae Variant Classification Sherloc (09022015). Collection method: clinical testing. Allele origin: germline.
Comment: In summary, the available evidence is currently insufficient to determine the role of this variant in disease. Therefore, it has been classified as a Variant of Uncertain Significance. Advanced modeling of protein sequence and biophysical properties (such as structural, functional, and spatial information, amino acid conservation, physicochemical variation, residue mobility, and thermodynamic stability) performed at Invitae indicates that this missense variant is not expected to disrupt SETD2 protein function. ClinVar contains an entry for this variant (Variation ID: 944638). This variant has not been reported in the literature in individuals affected with SETD2-related conditions. This variant is not present in population databases (gnomAD no frequency). This sequence change replaces isoleucine, which is neutral and non-polar, with threonine, which is neutral and polar, at codon 582 of the SETD2 protein (p.Ile582Thr).

NM_014159.7(SETD2):c.1745T>C (p.Ile582Thr)

Gene: SETD2 (SET domain containing 2, histone lysine methyltransferase; minus strand). Cytogenetic location: 3p21.31.
Variant type: single nucleotide variant.
Coding change: c.1745T>C on transcript NM_014159.7 (MANE Select); coding-DNA position 1745, T replaced by C.
Protein change: p.Ile582Thr; replaces isoleucine 582 with threonine.
Molecular consequence: missense variant. On other transcripts: non-coding transcript variant (1).
Genome position (GRCh38, 1-based): chr3:47,122,891, A>G on the plus strand (T>C on the coding strand, the complement: SETD2 is on the minus strand). VCF-style: chr3-47122891-A-G. GRCh37 (hg19) VCF-style: chr3-47164381-A-G.
Other names: c.1613T>C, p.Ile538Thr (NM_001349370.3); short protein forms I538T, I582T.
Identifiers: ClinVar variation 944638 (VCV000944638.7), dbSNP rs2043159637, ClinGen allele CA352529325.